The following is an entry in ClinVar:

NM_002941.4(ROBO1):c.2204G>A (p.Ser735Asn)

Gene: ROBO1 (roundabout guidance receptor 1; minus strand). Cytogenetic location: 3p12.3.
Variant type: single nucleotide variant.
Coding change: c.2204G>A on transcript NM_002941.4 (MANE Select); coding-DNA position 2204, G replaced by A.
Protein change: p.Ser735Asn; replaces serine 735 with asparagine.
Molecular consequence: missense variant.
Genome position (GRCh38, 1-based): chr3:78,661,146, C>T on the plus strand (G>A on the coding strand, the complement: ROBO1 is on the minus strand). VCF-style: chr3-78661146-C-T. GRCh37 (hg19) VCF-style: chr3-78710296-C-T.
Other names: c.2096G>A, p.Ser699Asn (NM_001145845.2, NM_133631.4); short protein forms S699N, S735N.
Identifiers: ClinVar variation 995979 (VCV000995979.12), dbSNP rs34515208, ClinGen allele CA2498738.

ClinVar aggregate classification (germline): Conflicting classifications of pathogenicity. Review status: criteria provided, conflicting classifications (1 of 4 stars). 4 submissions from 4 submitters: Uncertain significance (2); Benign (1). 1 of the submissions does not count toward it. Last evaluated 2025-10-23.

Conditions:
ROBO1-related disorder. Also called: ROBO1-related condition.
Neurodevelopmental delay. Identifiers: MedGen C4022738, HP:0012758.

Allele frequency attached by ClinVar (database versions not stated): gnomAD 0.00178 and 0.00193; ESP Exome Variant Server 0.00186; 1000 Genomes Project 30x 0.00187; TOPMed 0.00216; 1000 Genomes Project 0.00220.
gnomAD v4.1: 542 of 1,613,752 alleles (0.034%); highest among the groups gnomAD compares: African/African-American, 0.62%; 3 homozygotes.

Submissions (4):

Labcorp Genetics (formerly Invitae), Labcorp
Classification: Benign. Last evaluated: 2025-10-23. Review status: criteria provided, single submitter. Criteria: Invitae Variant Classification Sherloc (09022015). Collection method: clinical testing. Allele origin: germline.

GeneDx
Classification: Uncertain significance. Last evaluated: 2025-10-02. Review status: criteria provided, single submitter. Criteria: GeneDx Variant Classification Process June 2021. Collection method: clinical testing. Allele origin: germline.
Comment: Reported with a second variant on the opposite allele (in trans) in a patient with intellectual disability, hyperactivity, spastic diplegia, ataxia, and CNS anomalies in published literature (PMID: 28286008); In silico analysis suggests that this missense variant does not alter protein structure/function; This variant is associated with the following publications: (PMID: 28286008)

Institute of Human Genetics, University of Leipzig Medical Center
Classification: Uncertain significance for Neurodevelopmental delay. Last evaluated: 2021-01-09. Review status: criteria provided, single submitter. Criteria: ACMG Guidelines, 2015. Collection method: curation. Allele origin: paternal. Inheritance: Autosomal recessive inheritance. Affected: yes.
Comment: This variant was reported as [NM_133631.3]: c.2096 G>A (p.Ser699Asn) in an individual (Calloni_Index) with Neurodevelopmental Disorder With Absence of Transverse Pontine Fibers and Thinning of the Anterior Commissure and Corpus Callosum (PMID: 28286008 (calloni2017)). Inheritance was reported as recessive (compound-heterozygous) (paternal). The variant was reviewed according to current ACMG recommendations and classified as Uncertain Significance (criteria: PM3_Supporting) at the variant level; the gene-disease association is currently not established in curated databases.

PreventionGenetics, part of Exact Sciences
Classification: Likely benign for ROBO1-related condition. Last evaluated: 2024-01-29. Review status: no assertion criteria provided. Collection method: clinical testing. Allele origin: germline. Not counted in ClinVar's aggregate classification.
Comment: This variant is classified as likely benign based on ACMG/AMP sequence variant interpretation guidelines (Richards et al. 2015 PMID: 25741868, with internal and published modifications).

Literature cited by the submitters: PubMed 28286008 (cited by Institute of Human Genetics, University of Leipzig Medical Center).